The following is an entry in ClinVar:

NM_005529.7(HSPG2):c.8320C>T (p.Arg2774Cys)

Gene: HSPG2 (heparan sulfate proteoglycan 2; minus strand). Cytogenetic location: 1p36.12.
Variant type: single nucleotide variant.
Coding change: c.8320C>T on transcript NM_005529.7 (MANE Select); coding-DNA position 8320, C replaced by T.
Protein change: p.Arg2774Cys; replaces arginine 2774 with cysteine.
Molecular consequence: missense variant.
Genome position (GRCh38, 1-based): chr1:21,846,252, G>A on the plus strand (C>T on the coding strand, the complement: HSPG2 is on the minus strand). VCF-style: chr1-21846252-G-A. GRCh37 (hg19) VCF-style: chr1-22172745-G-A.
Other names: c.8323C>T, p.Arg2775Cys (NM_001291860.2); short protein forms R2774C, R2775C.
Identifiers: ClinVar variation 1506653 (VCV001506653.6), dbSNP rs758171238, ClinGen allele CA670821.

ClinVar aggregate classification (germline): Uncertain significance (1 of 4 stars; one submission).

Allele frequency attached by ClinVar (database versions not stated): gnomAD 0.00001; TOPMed 0.00001.

Submission:

Labcorp Genetics (formerly Invitae), Labcorp
Classification: Uncertain significance. Last evaluated: 2023-05-22. Review status: criteria provided, single submitter. Criteria: Invitae Variant Classification Sherloc (09022015). Collection method: clinical testing. Allele origin: germline.
Comment: In summary, the available evidence is currently insufficient to determine the role of this variant in disease. Therefore, it has been classified as a Variant of Uncertain Significance. An algorithm developed to predict the effect of missense changes on protein structure and function (PolyPhen-2) suggests that this variant is likely to be tolerated. ClinVar contains an entry for this variant (Variation ID: 1506653). This variant has not been reported in the literature in individuals affected with HSPG2-related conditions. This variant is present in population databases (rs758171238, gnomAD 0.003%). This sequence change replaces arginine, which is basic and polar, with cysteine, which is neutral and slightly polar, at codon 2774 of the HSPG2 protein (p.Arg2774Cys).